The following is an entry in ClinVar:

NM_007186.6(CEP250):c.5507T>C (p.Val1836Ala)

Gene: CEP250 (centrosomal protein 250; plus strand). Cytogenetic location: 20q11.22.
Variant type: single nucleotide variant.
Coding change: c.5507T>C on transcript NM_007186.6 (MANE Select); coding-DNA position 5507, T replaced by C.
Protein change: p.Val1836Ala; replaces valine 1836 with alanine.
Molecular consequence: missense variant.
Genome position (GRCh38, 1-based): chr20:35,503,876, T>C. VCF-style: chr20-35503876-T-C. GRCh37 (hg19) VCF-style: chr20-34091704-T-C.
Other names: c.3611T>C, p.Val1204Ala (NM_001318219.1); short protein forms V1204A, V1836A.
Identifiers: ClinVar variation 1053910 (VCV001053910.9), dbSNP rs1601301034, ClinGen allele CA408753370.

ClinVar aggregate classification (germline): Uncertain significance (1 of 4 stars; one submission).

Submission:

Labcorp Genetics (formerly Invitae), Labcorp
Classification: Uncertain significance. Last evaluated: 2022-02-10. Review status: criteria provided, single submitter. Criteria: Invitae Variant Classification Sherloc (09022015). Collection method: clinical testing. Allele origin: germline.
Comment: This variant is not present in population databases (gnomAD no frequency). This sequence change replaces valine, which is neutral and non-polar, with alanine, which is neutral and non-polar, at codon 1836 of the CEP250 protein (p.Val1836Ala). This variant has not been reported in the literature in individuals affected with CEP250-related conditions. In summary, the available evidence is currently insufficient to determine the role of this variant in disease. Therefore, it has been classified as a Variant of Uncertain Significance. Algorithms developed to predict the effect of missense changes on protein structure and function output the following: SIFT: "Not Available"; PolyPhen-2: "Benign"; Align-GVGD: "Not Available". The alanine amino acid residue is found in multiple mammalian species, which suggests that this missense change does not adversely affect protein function. ClinVar contains an entry for this variant (Variation ID: 1053910).